The following is an entry in ClinVar:

NM_000285.4(PEPD):c.825del (p.Phe275fs)

Gene: PEPD (peptidase D; minus strand). Cytogenetic location: 19q13.11.
Variant type: Deletion.
Coding change: c.825del on transcript NM_000285.4 (MANE Select); coding-DNA position 825, one base deleted (C; older notation c.825delC).
Protein change: p.Phe275fs; shifts the reading frame from phenylalanine 275.
Molecular consequence: frameshift variant.
Genome position (GRCh38, 1-based): chr19:33,401,863, G deleted on the plus strand (C on the coding strand, the reverse complement: PEPD is on the minus strand). VCF-style (leftmost placement, unchanged base first): chr19-33401862-CG-C. GRCh37 (hg19) VCF-style: chr19-33892768-CG-C.
Other names: c.702del, p.Phe234fs (NM_001166056.2); c.633del, p.Phe211fs (NM_001166057.2); short protein forms F211fs, F234fs, F275fs.
Identifiers: ClinVar variation 1327989 (VCV001327989.10), dbSNP rs750548522, ClinGen allele CA9364104.

ClinVar aggregate classification (germline): Pathogenic/Likely pathogenic. Review status: criteria provided, multiple submitters, no conflicts (2 of 4 stars). 4 submissions from 4 submitters: Pathogenic (2); Likely pathogenic (2). Last evaluated 2025-07-28.

Conditions:
Megaconial type congenital muscular dystrophy (MDCMC). Also called: CHKB-Related Muscle Diseases; MUSCULAR DYSTROPHY, CONGENITAL, WITH MITOCHONDRIAL STRUCTURAL ABNORMALITIES; CHKB-Related Muscular Dystrophy. Identifiers: Orphanet 280671, MedGen C1865233, MONDO:0011246, OMIM 602541.
Prolidase deficiency. Identifiers: Orphanet 742, MedGen C0268532, MONDO:0008221, OMIM 170100.

Allele frequency attached by ClinVar (database versions not stated): gnomAD 0.00001; gnomAD exomes 0.00001 and 0.00003; ExAC 0.00003.

Submissions (4):

Labcorp Genetics (formerly Invitae), Labcorp
Classification: Pathogenic. Last evaluated: 2025-07-28. Review status: criteria provided, single submitter. Criteria: Invitae Variant Classification Sherloc (09022015). Collection method: clinical testing. Allele origin: germline.
Comment: This sequence change creates a premature translational stop signal (p.Phe275Leufs*46) in the PEPD gene. It is expected to result in an absent or disrupted protein product. Loss-of-function variants in PEPD are known to be pathogenic (PMID: 8198124, 10721675, 12384772, 17142620). This variant is present in population databases (rs750548522, gnomAD 0.03%). This premature translational stop signal has been observed in individual(s) with prolidase deficiency (PMID: 29943458). ClinVar contains an entry for this variant (Variation ID: 1327989). For these reasons, this variant has been classified as Pathogenic.

Fulgent Genetics
Classification: Pathogenic for Prolidase deficiency. Last evaluated: 2024-05-31. Review status: criteria provided, single submitter. Criteria: ACMG Guidelines, 2015. Collection method: clinical testing. Allele origin: germline.

Neuberg Centre For Genomic Medicine, NCGM
Classification: Likely pathogenic for Megaconial type congenital muscular dystrophy. Last evaluated: 2023-06-22. Review status: criteria provided, single submitter. Criteria: ACMG Guidelines, 2015. Collection method: clinical testing. Allele origin: germline. Inheritance: Autosomal recessive inheritance. Affected: yes.
Comment: The observed frameshift c.825del(p.Phe275LeufsTer46) variant has been reported in homozygous state in an individual affected with Prolidase Deficiency (Madhusudan, M., et al. 2021). This variant is present with an allele frequency of 0.003% in gnomAD Exomes database. This variant has been reported to the ClinVar database as Pathogenic/Likely pathogenic. This variant causes a frameshift starting with codon Phenylalanine 275, changes this amino acid to Leucine residue, and creates a premature Stop codon at position 46 of the new reading frame, denoted p.Phe275LeufsTer46. This variant is predicted to cause loss of normal protein function through protein truncation. Loss of function variants have been previously reported to be disease causing (Forlino A, et. al., 2002). For these reasons, this variant has been classified as Likely Pathogenic.

Kasturba Medical College, Manipal, Kasturba Medical College, Manipal, Manipal Academy of Higher Education, Manipal, India
Classification: Likely pathogenic for Prolidase deficiency. Last evaluated: 2021-12-11. Review status: criteria provided, single submitter. Criteria: ACMG Guidelines, 2015. Collection method: clinical testing. Allele origin: germline. Affected: yes.

Literature cited by the submitters: PubMed 8198124 (cited by Labcorp Genetics (formerly Invitae), Labcorp); PubMed 10721675 (cited by Labcorp Genetics (formerly Invitae), Labcorp); PubMed 12384772 (cited by Labcorp Genetics (formerly Invitae), Labcorp); PubMed 17142620 (cited by Labcorp Genetics (formerly Invitae), Labcorp); PubMed 29943458 (cited by Labcorp Genetics (formerly Invitae), Labcorp).